The following is an entry in ClinVar:

NM_001039958.2(MESP2):c.116C>A (p.Ser39Ter)

Gene: MESP2 (mesoderm posterior bHLH transcription factor 2; plus strand). Cytogenetic location: 15q26.1.
Variant type: single nucleotide variant.
Coding change: c.116C>A on transcript NM_001039958.2 (MANE Select); coding-DNA position 116, C replaced by A.
Protein change: p.Ser39Ter; replaces serine 39 with a stop codon.
Molecular consequence: nonsense.
Genome position (GRCh38, 1-based): chr15:89,776,473, C>A. VCF-style: chr15-89776473-C-A. GRCh37 (hg19) VCF-style: chr15-90319704-C-A.
Other names: short protein forms S39*.
Identifiers: ClinVar variation 555826 (VCV000555826.10), dbSNP rs1206731716, ClinGen allele CA393769098.

ClinVar aggregate classification (germline): Pathogenic/Likely pathogenic. Review status: criteria provided, multiple submitters, no conflicts (2 of 4 stars). 3 submissions from 3 submitters: Pathogenic (1); Likely pathogenic (1). 1 of the submissions does not count toward it. Last evaluated 2025-09-04.

Conditions:
Spondylocostal dysostosis 2, autosomal recessive (SCDO2). Also called: MESP2-Related Spondylocostal Dysostosis, Autosomal Recessive; Spondylocostal dysostosis type 2. Identifiers: Orphanet 2311, MedGen C1837549, MONDO:0012097, OMIM 608681.

Allele frequency attached by ClinVar (database versions not stated): TOPMed below 0.00001.

Submissions (3):

Natera, Inc.
Classification: Likely pathogenic for Spondylocostal dysostosis type 2. Last evaluated: 2025-09-04. Review status: criteria provided, single submitter. Criteria: Natera Variant Classification Schema (03/2026). Collection method: clinical testing. Allele origin: germline.
Comment: The c.116C>A variant in MESP2 is a nonsense variant predicted to introduce a stop codon at amino acid 39. This variant is expected to result in nonsense mediated decay, truncation, or a dysfunctional protein product. This variant is rare in the general population with a frequency below the threshold expected for the associated phenotype(s). Given the available evidence, this variant is classified as Likely Pathogenic.

Labcorp Genetics (formerly Invitae), Labcorp
Classification: Pathogenic. Last evaluated: 2024-02-24. Review status: criteria provided, single submitter. Criteria: Invitae Variant Classification Sherloc (09022015). Collection method: clinical testing. Allele origin: germline.
Comment: This sequence change creates a premature translational stop signal (p.Ser39*) in the MESP2 gene. It is expected to result in an absent or disrupted protein product. Loss-of-function variants in MESP2 are known to be pathogenic (PMID: 9242490, 18485326). This variant is not present in population databases (gnomAD no frequency). This variant has not been reported in the literature in individuals affected with MESP2-related conditions. ClinVar contains an entry for this variant (Variation ID: 555826). For these reasons, this variant has been classified as Pathogenic.

Counsyl
Classification: Likely pathogenic for Spondylocostal dysostosis 2, autosomal recessive. Last evaluated: 2017-12-22. Review status: no assertion criteria provided. Collection method: clinical testing. Allele origin: unknown. Not counted in ClinVar's aggregate classification.

Literature cited by the submitters: PubMed 9242490 (cited by Labcorp Genetics (formerly Invitae), Labcorp); PubMed 18485326 (cited by Labcorp Genetics (formerly Invitae), Labcorp).